The following is an entry in ClinVar:

ClinVar aggregate classification (germline): Benign. Review status: criteria provided, multiple submitters, no conflicts (2 of 4 stars). 2 submissions from 2 submitters: Benign (2). Last evaluated 2025-11-24.

Conditions:
Fanconi-Bickel syndrome (FBS). Also called: HEPATIC GLYCOGENOSIS WITH AMINO ACIDURIA AND GLUCOSURIA; HEPATIC GLYCOGENOSIS WITH FANCONI NEPHROPATHY; HEPATORENAL GLYCOGENOSIS WITH RENAL FANCONI SYNDROME; FANCONI SYNDROME WITH INTESTINAL MALABSORPTION AND GALACTOSE INTOLERANCE; PSEUDO-PHLORIZIN DIABETES; Glycogen storage disease due to GLUT2 deficiency. Identifiers: Orphanet 2088, MedGen C3495427, MONDO:0009216, OMIM 227810.

Allele frequency attached by ClinVar (database versions not stated): gnomAD 0.38071 and 0.38870; 1000 Genomes Project 0.38179; 1000 Genomes Project 30x 0.39069; TOPMed 0.39923.

Submissions (2):

Labcorp Genetics (formerly Invitae), Labcorp
Classification: Benign for Fanconi-Bickel syndrome. Last evaluated: 2025-11-24. Review status: criteria provided, single submitter. Criteria: Invitae Variant Classification Sherloc (09022015). Collection method: clinical testing. Allele origin: germline.

GeneDx
Classification: Benign. Last evaluated: 2018-06-23. Review status: criteria provided, single submitter. Criteria: GeneDx Variant Classification Process June 2021. Collection method: clinical testing. Allele origin: germline. Affected: yes.
Comment: This variant is associated with the following publications: (PMID: 12017192)

NC_000003.12:g.171027026T>C

Gene: SLC2A2 (solute carrier family 2 member 2; minus strand). Cytogenetic location: 3q26.2.
Variant type: single nucleotide variant.
Genome position: GRCh38 VCF-style: chr3-171027026-T-C. GRCh37 (hg19) VCF-style: chr3-170744815-T-C.
Identifiers: ClinVar variation 1168130 (VCV001168130.11), dbSNP rs5396, ClinGen allele CA11615408.